The following is an entry in ClinVar:

NM_001369.3(DNAH5):c.3034del (p.Ala1012fs)

Genes: DNAH5-AS1 (DNAH5 antisense RNA 1; plus strand), DNAH5 (dynein axonemal heavy chain 5; minus strand). Cytogenetic location: 5p15.2.
Variant type: Deletion.
Coding change: c.3034del on transcript NM_001369.3 (MANE Select); coding-DNA position 3034, one base deleted (G; older notation c.3034delG).
Protein change: p.Ala1012fs; shifts the reading frame from alanine 1012.
Molecular consequence: frameshift variant.
Genome position (GRCh38, 1-based): chr5:13,883,044, C deleted on the plus strand (G on the coding strand, the reverse complement: DNAH5 is on the minus strand); the first of 3 consecutive C bases (chr5:13,883,044-13,883,046); deleting any one gives the same sequence. VCF-style (leftmost placement, unchanged base first): chr5-13883043-GC-G. GRCh37 (hg19) VCF-style: chr5-13883152-GC-G.
Other names: short protein forms A1012fs.
Identifiers: ClinVar variation 1726570 (VCV001726570.2), dbSNP rs2547031508, ClinGen allele CA2580072098.
Genomic context (GRCh38, chr5:13,883,043, plus strand): 5'-TGCTGTACATCTTCCAGGGCAGGGGCCATGACGATGTTGGGAATGGCCAGAGTGACGCTT[GC>G]CCGGAAAATGGGCAAACTGTTCTGCTTCATGTTAGAGGCACTGTTACTGTCTGAGTTAAC-3'

ClinVar aggregate classification (germline): Likely pathogenic (1 of 4 stars; one submission).

Conditions:
Primary ciliary dyskinesia 3. Identifiers: Orphanet 244, MedGen C1837618, MONDO:0012085, OMIM 608644.

Submission:

Myriad Genetics, Inc.
Classification: Likely pathogenic for Primary ciliary dyskinesia 3. Last evaluated: 2021-12-22. Review status: criteria provided, single submitter. Criteria: Myriad Women's Health Autosomal Recessive and X-Linked Classification Criteria (2021). Collection method: clinical testing. Allele origin: unknown.
Comment: NM_001369.2(DNAH5):c.3034delG(A1012Qfs*23) is expected to be pathogenic in the context of DNAH5-related primary ciliary dyskinesia. This variant is predicted to lead to an abnormal or absent protein product due to the creation of a premature termination codon in DNAH5, a gene where loss-of-function variants are known to be pathogenic. Please note: this variant was assessed in the context of healthy population screening.